The following is an entry in ClinVar:

NM_000094.4(COL7A1):c.7930-2A>G

Gene: COL7A1 (collagen type VII alpha 1 chain; minus strand). Cytogenetic location: 3p21.31.
Variant type: single nucleotide variant.
Coding change: c.7930-2A>G on transcript NM_000094.4 (MANE Select); the canonical splice acceptor site of the intron before coding-DNA position 7930, A replaced by G.
Molecular consequence: splice acceptor variant.
Genome position (GRCh38, 1-based): chr3:48,567,765, T>C on the plus strand (A>G on the coding strand, the complement: COL7A1 is on the minus strand). VCF-style: chr3-48567765-T-C. GRCh37 (hg19) VCF-style: chr3-48605198-T-C.
Identifiers: ClinVar variation 4853332 (VCV004853332.1).
Genomic context (GRCh38, chr3:48,567,765, plus strand): 5'-CTCACCATCTCTCCTTTGTGTCCTGCCAGCCCGGGGCGGCCTGGGGGACCAGCTTCTCCC[T>C]GCAGGCATCAGGCAGTGGGGTGAGCCTTAGGCCCCAGGCCACGTAGCCCCCCAGCCCCCA-3'

ClinVar aggregate classification (germline): Likely pathogenic (1 of 4 stars; one submission).

Conditions:
Recessive dystrophic epidermolysis bullosa (RDEB). Also called: epidermolysis bullosa dystrophica, autosomal recessive; DYSTROPHIC EPIDERMOLYSIS BULLOSA, AUTOSOMAL RECESSIVE; EPIDERMOLYSIS BULLOSA DYSTROPHICA, HALLOPEAU-SIEMENS TYPE; Hallopeau-Siemens Disease; EPIDERMOLYSIS BULLOSA DYSTROPHICA, GENERALIZED SEVERE, AUTOSOMAL RECESSIVE; Epidermolysis Bullosa Distrophica Autosomal Recessive (RDEB). Identifiers: Orphanet 79408, Orphanet 79409, MedGen C0079474, MONDO:0009179, OMIM 226600.

Submission:

Women's Health and Genetics/Laboratory Corporation of America, LabCorp
Classification: Likely pathogenic for Recessive dystrophic epidermolysis bullosa. Last evaluated: 2026-05-11. Review status: criteria provided, single submitter. Criteria: LabCorp Variant Classification Summary - May 2015. Collection method: clinical testing. Allele origin: germline.
Comment: Variant summary: COL7A1 c.7930-2A>G is located in a canonical splice-site and is predicted to affect mRNA splicing resulting in a significantly altered protein due to either exon skipping, shortening, or inclusion of intronic material. Variants that disrupt the consensus splice site are a relatively common cause of aberrant splicing and loss of COL7A1 function. Several computational tools predict a significant impact on normal splicing: Four predict the variant abolishes a 3' acceptor site. However, these predictions have yet to be confirmed by functional studies. The variant was absent in 251352 control chromosomes. To our knowledge, no occurrence of c.7930-2A>G in individuals affected with COL7A1-related conditions and no experimental evidence demonstrating its impact on protein function have been reported. No submitters have cited clinical-significance assessments for this variant to ClinVar. To our knowledge, this variant has not been reported in individuals with autosomal dominant Dystrophic Epidermolysis Bullosa. Based on the evidence outlined above, the variant was classified as likely pathogenic for autosomal recessive Dystrophic Epidermolysis Bullosa.